The following is an entry in ClinVar:

NM_000124.4(ERCC6):c.1435C>T (p.Arg479Cys)

Gene: ERCC6 (ERCC excision repair 6, chromatin remodeling factor; minus strand). Cytogenetic location: 10q11.23.
Variant type: single nucleotide variant.
Coding change: c.1435C>T on transcript NM_000124.4 (MANE Select); coding-DNA position 1435, C replaced by T.
Protein change: p.Arg479Cys; replaces arginine 479 with cysteine.
Molecular consequence: missense variant.
Genome position (GRCh38, 1-based): chr10:49,505,975, G>A on the plus strand (C>T on the coding strand, the complement: ERCC6 is on the minus strand). VCF-style: chr10-49505975-G-A. GRCh37 (hg19) VCF-style: chr10-50714021-G-A.
Other names: c.1435C>T, p.Arg479Cys (NM_001346440.2); short protein forms R479C.
Identifiers: ClinVar variation 300080 (VCV000300080.11), dbSNP rs61749175, ClinGen allele CA5495972.

ClinVar aggregate classification (germline): Conflicting classifications of pathogenicity. Review status: criteria provided, conflicting classifications (1 of 4 stars). 4 submissions from 2 submitters: Uncertain significance (2); Likely benign (2). Last evaluated 2025-12-08.

Conditions:
Cerebrooculofacioskeletal syndrome 1 (COFS1). Also called: Cerebro-oculo-facio-skeletal syndrome 1. Identifiers: MedGen C0220722, MONDO:0008955, OMIM 214150.
Age related macular degeneration 5. Identifiers: MedGen C3151063, MONDO:0013409, OMIM 613761.
Cockayne syndrome type 2 (CSB). Also called: Cockayne Syndrome, Type II; COCKAYNE SYNDROME B. Identifiers: Orphanet 191, Orphanet 90322, MedGen C0751038, MONDO:0019570, OMIM 133540.

Allele frequency attached by ClinVar (database versions not stated): 1000 Genomes Project 30x 0.00016; gnomAD exomes 0.00018 and 0.00019; 1000 Genomes Project 0.00020; ExAC 0.00020; gnomAD 0.00034 and 0.00035; TOPMed 0.00035; ESP Exome Variant Server 0.00038.
gnomAD v4.1: 316 of 1,613,340 alleles (0.02%); highest among the groups gnomAD compares: African/African-American, 0.08%; no homozygotes.

Submissions (4):

Labcorp Genetics (formerly Invitae), Labcorp
Classification: Likely benign. Last evaluated: 2025-12-08. Review status: criteria provided, single submitter. Criteria: Invitae Variant Classification Sherloc (09022015). Collection method: clinical testing. Allele origin: germline.

Illumina Laboratory Services, Illumina
Classification: Uncertain significance for Cockayne syndrome type 2. Last evaluated: 2018-01-12. Review status: criteria provided, single submitter. Criteria: ICSL Variant Classification Criteria 13 December 2019. Collection method: clinical testing. Allele origin: germline.

Illumina Laboratory Services, Illumina
Classification: Likely benign for Age related macular degeneration 5. Last evaluated: 2018-01-12. Review status: criteria provided, single submitter. Criteria: ICSL Variant Classification Criteria 13 December 2019. Collection method: clinical testing. Allele origin: germline.
Comment: This variant was observed in the ICSL laboratory as part of a predisposition screen in an ostensibly healthy population. It had not been previously curated by ICSL or reported in the Human Gene Mutation Database (HGMD: prior to June 1st, 2018), and was therefore a candidate for classification through an automated scoring system. Utilizing variant allele frequency, disease prevalence and penetrance estimates, and inheritance mode, an automated score was calculated to assess if this variant is too frequent to cause the disease. Based on the score and internal cut-off values, a variant classified as likely benign is not then subjected to further curation. The score for this variant resulted in a classification of likely benign for this disease.

Illumina Laboratory Services, Illumina
Classification: Uncertain significance for Cerebrooculofacioskeletal syndrome 1. Last evaluated: 2018-01-12. Review status: criteria provided, single submitter. Criteria: ICSL Variant Classification Criteria 13 December 2019. Collection method: clinical testing. Allele origin: germline.